The following is an entry in ClinVar:

NM_001278512.2(AP3B2):c.2692C>T (p.Arg898Cys)

Genes: AP3B2 (adaptor related protein complex 3 subunit beta 2; minus strand), CPEB1-AS1 (CPEB1 antisense RNA 1; plus strand). Cytogenetic location: 15q25.2.
Variant type: single nucleotide variant.
Coding change: c.2692C>T on transcript NM_001278512.2 (MANE Select); coding-DNA position 2692, C replaced by T.
Protein change: p.Arg898Cys; replaces arginine 898 with cysteine.
Molecular consequence: missense variant.
Genome position (GRCh38, 1-based): chr15:82,662,835, G>A on the plus strand (C>T on the coding strand, the complement: AP3B2 is on the minus strand). VCF-style: chr15-82662835-G-A. GRCh37 (hg19) VCF-style: chr15-83331587-G-A.
Other names: c.2539C>T, p.Arg847Cys (NM_001278511.2); c.2635C>T, p.Arg879Cys (NM_004644.5); short protein forms R879C, R898C, R847C.
Identifiers: ClinVar variation 1363205 (VCV001363205.3), dbSNP rs2151427717, ClinGen allele CA393308768.

ClinVar aggregate classification (germline): Uncertain significance (1 of 4 stars; one submission).

gnomAD v4.1: 22 of 1,613,684 alleles (0.0014%); highest among the groups gnomAD compares: Non-Finnish European, 0.0019%; no homozygotes.

Submission:

Labcorp Genetics (formerly Invitae), Labcorp
Classification: Uncertain significance. Last evaluated: 2022-09-27. Review status: criteria provided, single submitter. Criteria: Invitae Variant Classification Sherloc (09022015). Collection method: clinical testing. Allele origin: germline.
Comment: This sequence change replaces arginine, which is basic and polar, with cysteine, which is neutral and slightly polar, at codon 879 of the AP3B2 protein (p.Arg879Cys). This variant is not present in population databases (gnomAD no frequency). This variant has not been reported in the literature in individuals affected with AP3B2-related conditions. ClinVar contains an entry for this variant (Variation ID: 1363205). Algorithms developed to predict the effect of missense changes on protein structure and function are either unavailable or do not agree on the potential impact of this missense change (SIFT: "Deleterious"; PolyPhen-2: "Possibly Damaging"; Align-GVGD: "Class C0"). In summary, the available evidence is currently insufficient to determine the role of this variant in disease. Therefore, it has been classified as a Variant of Uncertain Significance.